The following is an entry in ClinVar:

ClinVar aggregate classification (germline): Uncertain significance (1 of 4 stars; one submission).

Conditions:
Duchenne muscular dystrophy (DMD). Also called: MUSCULAR DYSTROPHY, PSEUDOHYPERTROPHIC PROGRESSIVE, DUCHENNE TYPE; Duchenne Muscular Dystrophy (DMD). Identifiers: Orphanet 98896, MedGen C0013264, MONDO:0010679, OMIM 310200.

Submission:

Labcorp Genetics (formerly Invitae), Labcorp
Classification: Uncertain significance for Duchenne muscular dystrophy. Last evaluated: 2024-07-02. Review status: criteria provided, single submitter. Criteria: Invitae Variant Classification Sherloc (09022015). Collection method: clinical testing. Allele origin: germline.
Comment: This sequence change replaces glutamic acid, which is acidic and polar, with valine, which is neutral and non-polar, at codon 719 of the DMD protein (p.Glu719Val). This variant is not present in population databases (gnomAD no frequency). This variant has not been reported in the literature in individuals affected with DMD-related conditions. Advanced modeling of protein sequence and biophysical properties (such as structural, functional, and spatial information, amino acid conservation, physicochemical variation, residue mobility, and thermodynamic stability) performed at Invitae indicates that this missense variant is not expected to disrupt DMD protein function with a negative predictive value of 95%. In summary, the available evidence is currently insufficient to determine the role of this variant in disease. Therefore, it has been classified as a Variant of Uncertain Significance.

NM_004006.3(DMD):c.2156A>T (p.Glu719Val)

Gene: DMD (dystrophin; minus strand). Cytogenetic location: Xp21.1.
Variant type: single nucleotide variant.
Coding change: c.2156A>T on transcript NM_004006.3 (MANE Select); coding-DNA position 2156, A replaced by T.
Protein change: p.Glu719Val; replaces glutamic acid 719 with valine.
Molecular consequence: missense variant.
Genome position (GRCh38, 1-based): chrX:32,545,171, T>A on the plus strand (A>T on the coding strand, the complement: DMD is on the minus strand). VCF-style: chrX-32545171-T-A. GRCh37 (hg19) VCF-style: chrX-32563288-T-A.
Other names: c.2132A>T, p.Glu711Val (NM_000109.4); c.2144A>T, p.Glu715Val (NM_004009.3); c.1787A>T, p.Glu596Val (NM_004010.3); short protein forms E719V, E711V, E715V, E596V.
Identifiers: ClinVar variation 3634855 (VCV003634855.2).